The following is an entry in ClinVar:

NM_017612.5(ZCCHC8):c.41A>C (p.Glu14Ala)

Gene: ZCCHC8 (zinc finger CCHC-type containing 8; minus strand). Cytogenetic location: 12q24.31.
Variant type: single nucleotide variant.
Coding change: c.41A>C on transcript NM_017612.5 (MANE Select); coding-DNA position 41, A replaced by C.
Protein change: p.Glu14Ala; replaces glutamic acid 14 with alanine.
Molecular consequence: missense variant. On other transcripts: 5 prime UTR variant (3).
Genome position (GRCh38, 1-based): chr12:122,500,800, T>G on the plus strand (A>C on the coding strand, the complement: ZCCHC8 is on the minus strand). VCF-style: chr12-122500800-T-G. GRCh37 (hg19) VCF-style: chr12-122985347-T-G.
Other names: c.41A>C, p.Glu14Ala (NM_001350935.2); c.-883A>C (NM_001350936.2); c.-504A>C (NM_001350937.2); c.-398A>C (NM_001350938.2); short protein forms E14A.
Identifiers: ClinVar variation 2814046 (VCV002814046.3), dbSNP rs369490516, ClinGen allele CA6846547.

ClinVar aggregate classification (germline): Uncertain significance (1 of 4 stars; one submission).

Allele frequency attached by ClinVar (database versions not stated): gnomAD exomes below 0.00001; TOPMed below 0.00001; gnomAD 0.00001; ExAC 0.00003; ESP Exome Variant Server 0.00008.
gnomAD v4.1: 2 of 1,582,926 alleles (0.00013%); highest among the groups gnomAD compares: African/African-American, 0.0027%; no homozygotes.

Submission:

Labcorp Genetics (formerly Invitae), Labcorp
Classification: Uncertain significance. Last evaluated: 2023-02-09. Review status: criteria provided, single submitter. Criteria: Invitae Variant Classification Sherloc (09022015). Collection method: clinical testing. Allele origin: germline.
Comment: This sequence change replaces glutamic acid, which is acidic and polar, with alanine, which is neutral and non-polar, at codon 14 of the ZCCHC8 protein (p.Glu14Ala). This variant is present in population databases (rs369490516, gnomAD 0.01%). This variant has not been reported in the literature in individuals affected with ZCCHC8-related conditions. Algorithms developed to predict the effect of missense changes on protein structure and function are either unavailable or do not agree on the potential impact of this missense change (SIFT: "Deleterious"; PolyPhen-2: "Not Available"; Align-GVGD: "Class C0"). In summary, the available evidence is currently insufficient to determine the role of this variant in disease. Therefore, it has been classified as a Variant of Uncertain Significance.